The following is an entry in ClinVar:

NM_024570.4(RNASEH2B):c.203A>G (p.Glu68Gly)

Gene: RNASEH2B (ribonuclease H2 subunit B; plus strand). Cytogenetic location: 13q14.3.
Variant type: single nucleotide variant.
Coding change: c.203A>G on transcript NM_024570.4 (MANE Select); coding-DNA position 203, A replaced by G.
Protein change: p.Glu68Gly; replaces glutamic acid 68 with glycine.
Molecular consequence: missense variant.
Genome position (GRCh38, 1-based): chr13:50,929,541, A>G. VCF-style: chr13-50929541-A-G. GRCh37 (hg19) VCF-style: chr13-51503677-A-G.
Other names: p.Glu68Gly; c.203A>G, p.Glu68Gly (NM_001142279.2); short protein forms E68G.
Identifiers: ClinVar variation 706377 (VCV000706377.36), dbSNP rs148811739, ClinGen allele CA6985485.

ClinVar aggregate classification (germline): Conflicting classifications of pathogenicity. Review status: criteria provided, conflicting classifications (1 of 4 stars). 7 submissions from 7 submitters: Uncertain significance (3); Likely benign (3). 1 of the submissions does not count toward it. Last evaluated 2026-02-15.

Conditions:
RNASEH2B-related disorder. Also called: RNASEH2B-related condition.
Aicardi-Goutieres syndrome 2. Identifiers: Orphanet 51, MedGen C3489724, MONDO:0012429, OMIM 610181.

Allele frequency attached by ClinVar (database versions not stated): gnomAD exomes 0.00011 and 0.00026; 1000 Genomes Project 30x 0.00031; ExAC 0.00034; 1000 Genomes Project 0.00040; gnomAD 0.00109 and 0.00118; ESP Exome Variant Server 0.00123; TOPMed 0.00123.
gnomAD v4.1: 340 of 1,613,350 alleles (0.021%); highest among the groups gnomAD compares: African/African-American, 0.4%; 1 homozygote.

Submissions (7):

GeneDx
Classification: Uncertain significance. Last evaluated: 2026-02-15. Review status: criteria provided, single submitter. Criteria: GeneDx Variant Classification Process June 2021. Collection method: clinical testing. Allele origin: germline.
Comment: Missense variants in this gene are a common cause of disease and they are underrepresented in the general population; In silico analysis supports that this missense variant has a deleterious effect on protein structure/function; Has not been previously published as pathogenic or benign to our knowledge

Labcorp Genetics (formerly Invitae), Labcorp
Classification: Likely benign for Aicardi-Goutieres syndrome 2. Last evaluated: 2026-01-31. Review status: criteria provided, single submitter. Criteria: Invitae Variant Classification Sherloc (09022015). Collection method: clinical testing. Allele origin: germline.

Mayo Clinic Laboratories, Mayo Clinic
Classification: Uncertain significance. Last evaluated: 2025-10-16. Review status: criteria provided, single submitter. Criteria: ACMG Guidelines, 2015. Collection method: clinical testing. Allele origin: germline. Observed: 2 variant alleles.
Comment: PP2, PP3_moderate

CeGaT Center for Human Genetics Tuebingen
Classification: Likely benign. Last evaluated: 2024-09-01. Review status: criteria provided, single submitter. Criteria: CeGaT Center For Human Genetics Tuebingen Variant Classification Criteria Version 2. Collection method: clinical testing. Allele origin: germline. Affected: yes. Observed: 2 variant alleles.
Comment: RNASEH2B: BS2

Fulgent Genetics
Classification: Uncertain significance for Aicardi-Goutieres syndrome 2. Last evaluated: 2024-01-09. Review status: criteria provided, single submitter. Criteria: ACMG Guidelines, 2015. Collection method: clinical testing. Allele origin: germline.

Breakthrough Genomics
Classification: Likely benign. Review status: criteria provided, single submitter. Criteria: ACMG Guidelines, 2015. Collection method: not provided. Allele origin: germline. Inheritance: Autosomal recessive inheritance. Affected: yes.

PreventionGenetics, part of Exact Sciences
Classification: Likely benign for RNASEH2B-related condition. Last evaluated: 2022-07-20. Review status: no assertion criteria provided. Collection method: clinical testing. Allele origin: germline. Not counted in ClinVar's aggregate classification.
Comment: This variant is classified as likely benign based on ACMG/AMP sequence variant interpretation guidelines (Richards et al. 2015 PMID: 25741868, with internal and published modifications).

Literature cited by the submitters: PubMed 21177854 (cited by Mayo Clinic Laboratories, Mayo Clinic).